The following is an entry in ClinVar:

NC_000015.9:g.(?_38545387)_(40293445_?)dup

Genes: EIF2AK4 (eukaryotic translation initiation factor 2 alpha kinase 4; plus strand), FAM98B (family with sequence similarity 98 member B; plus strand), FSIP1 (fibrous sheath interacting protein 1; minus strand), GPR176 (G protein-coupled receptor 176; minus strand), LINC02694 (long intergenic non-protein coding RNA 2694; plus strand) and 4 more. Cytogenetic location: 15q14-15.1.
Variant type: Duplication.
Identifiers: ClinVar variation 3243876 (VCV003243876.1).

ClinVar aggregate classification (germline): Uncertain significance (1 of 4 stars; one submission).

Submission:

Labcorp Genetics (formerly Invitae), Labcorp
Classification: Uncertain significance. Last evaluated: 2023-04-08. Review status: criteria provided, single submitter. Criteria: Invitae Variant Classification Sherloc (09022015). Collection method: clinical testing. Allele origin: unknown.
Comment: In summary, the available evidence is currently insufficient to determine the role of this variant in disease. Therefore, it has been classified as a Variant of Uncertain Significance. Experimental studies and prediction algorithms are not available or were not evaluated, and the functional significance of this variant is currently unknown. This variant has not been reported in the literature in individuals affected with RASGRP1-related conditions. A copy number gain of the genomic region encompassing the full coding sequence of the RASGRP1 gene has been identified. The boundaries of this event are unknown as they extend beyond the assayed region for this gene and therefore may encompass additional genes. As the precise location of this event is unknown, it may be in tandem or it may be located elsewhere in the genome.